The following is an entry in ClinVar:

ClinVar aggregate classification (germline): Uncertain significance (1 of 4 stars; one submission).

Conditions:
Xeroderma pigmentosum, group E (XPE). Also called: Xeroderma pigmentosum, complementation group E; XERODERMA PIGMENTOSUM V; XP, GROUP E; DDB2-Related Xeroderma Pigmentosum; Xeroderma pigmentosum, group E, DDB-negative subtype; Xeroderma pigmentosum, complementation group E, DDB-negative form. Identifiers: Orphanet 910, MedGen C1848411, MONDO:0010213, OMIM 278740.

Allele frequency attached by ClinVar (database versions not stated): gnomAD exomes below 0.00001.
gnomAD v4.1: 1 of 1,614,084 alleles (0.000062%); highest among the groups gnomAD compares: Admixed American, 0.0017%; no homozygotes.

Submission:

Baylor Genetics
Classification: Uncertain significance for Xeroderma pigmentosum, group E. Last evaluated: 2021-04-15. Review status: criteria provided, single submitter. Criteria: ACMG Guidelines, 2015. Collection method: clinical testing. Allele origin: unknown. Affected: yes. Study: CSER-TexasKidsCanSeq.
Comment: This variant was determined to be of uncertain significance according to ACMG Guidelines, 2015 [PMID:25741868].

NM_000107.3(DDB2):c.52C>T (p.Arg18Cys)

Genes: DDB2 (damage specific DNA binding protein 2; plus strand), LOC126861205 (MED14-independent group 3 enhancer GRCh37_chr11:47236089-47237288; plus strand). Cytogenetic location: 11p11.2.
Variant type: single nucleotide variant.
Coding change: c.52C>T on transcript NM_000107.3 (MANE Select); coding-DNA position 52, C replaced by T.
Protein change: p.Arg18Cys; replaces arginine 18 with cysteine.
Molecular consequence: missense variant.
Genome position (GRCh38, 1-based): chr11:47,215,188, C>T. VCF-style: chr11-47215188-C-T. GRCh37 (hg19) VCF-style: chr11-47236739-C-T.
Other names: c.52C>T, p.Arg18Cys (NM_001300734.2); short protein forms R18C.
Identifiers: ClinVar variation 1327105 (VCV001327105.1), dbSNP rs201229167, ClinGen allele CA221674769.